The following is an entry in ClinVar:

ClinVar aggregate classification (germline): Uncertain significance (1 of 4 stars; one submission).

Allele frequency attached by ClinVar (database versions not stated): ExAC 0.00001; gnomAD exomes 0.00001 and below 0.00001.

Submission:

Labcorp Genetics (formerly Invitae), Labcorp
Classification: Uncertain significance. Last evaluated: 2025-03-04. Review status: criteria provided, single submitter. Criteria: Invitae Variant Classification Sherloc (09022015). Collection method: clinical testing. Allele origin: germline.
Comment: This sequence change replaces alanine, which is neutral and non-polar, with threonine, which is neutral and polar, at codon 45 of the RAX2 protein (p.Ala45Thr). This variant is present in population databases (rs760640216, gnomAD 0.01%). This variant has not been reported in the literature in individuals affected with RAX2-related conditions. ClinVar contains an entry for this variant (Variation ID: 1384524). An algorithm developed to predict the effect of missense changes on protein structure and function (PolyPhen-2) suggests that this variant is likely to be disruptive. In summary, the available evidence is currently insufficient to determine the role of this variant in disease. Therefore, it has been classified as a Variant of Uncertain Significance.

NM_001319074.4(RAX2):c.133G>A (p.Ala45Thr)

Gene: RAX2 (retina and anterior neural fold homeobox 2; minus strand). Cytogenetic location: 19p13.3.
Variant type: single nucleotide variant.
Coding change: c.133G>A on transcript NM_001319074.4 (MANE Select); coding-DNA position 133, G replaced by A.
Protein change: p.Ala45Thr; replaces alanine 45 with threonine.
Molecular consequence: missense variant.
Genome position (GRCh38, 1-based): chr19:3,771,610, C>T on the plus strand (G>A on the coding strand, the complement: RAX2 is on the minus strand). VCF-style: chr19-3771610-C-T. GRCh37 (hg19) VCF-style: chr19-3771608-C-T.
Other names: c.133G>A, p.Ala45Thr (NM_032753.4); short protein forms A45T.
Identifiers: ClinVar variation 1384524 (VCV001384524.6), dbSNP rs760640216, ClinGen allele CA9085109.